The following is an entry in ClinVar:

ClinVar aggregate classification (germline): Likely pathogenic (1 of 4 stars; one submission).

Conditions:
Heterotaxy, visceral, 8, autosomal (HTX8). Identifiers: MONDO:0014967, OMIM 617205, MedGen C4310668.

Submission:

Juno Genomics, Hangzhou Juno Genomics, Inc
Classification: Likely pathogenic for Heterotaxy, visceral, 8, autosomal. Review status: criteria provided, single submitter. Criteria: ACMG Guidelines, 2015. Collection method: clinical testing. Allele origin: germline.
Comment: Absent from controls (or at extremely low frequency if recessive) in Genome Aggregation Database.;Null variant in a gene where loss of function (LOF) is a known mechanism of disease.

NM_138295.5(PKD1L1):c.5553-2A>G

Gene: PKD1L1 (polycystin 1 like 1, transient receptor potential channel interacting; minus strand). Cytogenetic location: 7p12.3.
Variant type: single nucleotide variant.
Coding change: c.5553-2A>G on transcript NM_138295.5 (MANE Select); the canonical splice acceptor site of the intron before coding-DNA position 5553, A replaced by G.
Molecular consequence: splice acceptor variant.
Genome position (GRCh38, 1-based): chr7:47,839,664, T>C on the plus strand (A>G on the coding strand, the complement: PKD1L1 is on the minus strand). VCF-style: chr7-47839664-T-C. GRCh37 (hg19) VCF-style: chr7-47879262-T-C.
Identifiers: ClinVar variation 5018805 (VCV005018805.2).
Genomic context (GRCh38, chr7:47,839,664, plus strand): 5'-GCCCACGGCTGTCGTGCCAGAGGCGGATCTTCCTCAGCAGGCCCAGTTGGGCAGGAGCGC[T>C]GGAGGCACACACAGCAGCATCTCAGCCGGGTGGGTGACAGTGTGGTCCTGGCATCCCATC-3'